The following is an entry in ClinVar:

NM_173628.4(DNAH17):c.3821G>A (p.Arg1274Gln)

Gene: DNAH17 (dynein axonemal heavy chain 17; minus strand). Cytogenetic location: 17q25.3.
Variant type: single nucleotide variant.
Coding change: c.3821G>A on transcript NM_173628.4 (MANE Select); coding-DNA position 3821, G replaced by A.
Protein change: p.Arg1274Gln; replaces arginine 1274 with glutamine.
Molecular consequence: missense variant.
Genome position (GRCh38, 1-based): chr17:78,525,052, C>T on the plus strand (G>A on the coding strand, the complement: DNAH17 is on the minus strand). VCF-style: chr17-78525052-C-T. GRCh37 (hg19) VCF-style: chr17-76521134-C-T.
Other names: short protein forms R1274Q.
Identifiers: ClinVar variation 3052820 (VCV003052820.2), dbSNP rs184908706, ClinGen allele CA8804025.

ClinVar aggregate classification (germline): Benign (0 of 4 stars; one submission).

Conditions:
DNAH17-related disorder. Also called: DNAH17-related condition.

Allele frequency attached by ClinVar (database versions not stated): gnomAD exomes 0.00046; TOPMed 0.00109; ExAC 0.00158; 1000 Genomes Project 30x 0.00312; 1000 Genomes Project 0.00359.
gnomAD v4.1: 1,071 of 1,613,782 alleles (0.066%); highest among the groups gnomAD compares: East Asian, 1.5%; 29 homozygotes.

Submission:

PreventionGenetics, part of Exact Sciences
Classification: Benign for DNAH17-related condition. Last evaluated: 2019-08-26. Review status: no assertion criteria provided. Collection method: clinical testing. Allele origin: germline.
Comment: This variant is classified as benign based on ACMG/AMP sequence variant interpretation guidelines (Richards et al. 2015 PMID: 25741868, with internal and published modifications).